The following is an entry in ClinVar:

NM_020458.4(TTC7A):c.518-120del

Genes: TTC7A (tetratricopeptide repeat domain 7A; plus strand), LOC126806211 (CDK7 strongly-dependent group 2 enhancer GRCh37_chr2:47201305-47202504; plus strand). Cytogenetic location: 2p21.
Variant type: Deletion.
Coding change: c.518-120del on transcript NM_020458.4 (MANE Select); 120 bases into the intron before coding-DNA position 518, one base deleted (T; older notation c.518-120delT).
Molecular consequence: intron variant.
Genome position (GRCh38, 1-based): chr2:46,974,853, T deleted. VCF-style (leftmost placement, unchanged base first): chr2-46974852-CT-C. GRCh37 (hg19) VCF-style: chr2-47201991-CT-C.
Other names: c.-387-120del (NM_001288955.2); c.416-120del (NM_001288953.2); c.518-120del (NM_001288951.2).
Identifiers: ClinVar variation 1239651 (VCV001239651.5), dbSNP rs67758600, ClinGen allele CA46630647.
Genomic context (GRCh38, chr2:46,974,852, plus strand): 5'-CCAGCCACTGCTAACACCACCGTCGCTTCAGCTTCCTCCCTCCCCTCCGCAGACCTCCGC[CT>C]CCTCCTGGCTGCACCAGAGTGTCTGCCCCCTCGGATGAGCCCACCTTCGGCCCATGGGGA-3'

ClinVar aggregate classification (germline): Benign. Review status: criteria provided, multiple submitters, no conflicts (2 of 4 stars). 2 submissions from 2 submitters: Benign (2). Last evaluated 2024-01-24.

Allele frequency attached by ClinVar (database versions not stated): gnomAD 0.35697 and 0.36258; TOPMed 0.35930; 1000 Genomes Project 30x 0.39350; gnomAD exomes 0.39648; 1000 Genomes Project 0.40176.

Submissions (2):

Unidad de Genómica Garrahan, Hospital de Pediatría Garrahan
Classification: Benign. Last evaluated: 2024-01-24. Review status: criteria provided, single submitter. Criteria: ACMG Guidelines, 2015. Collection method: clinical testing. Allele origin: germline. Affected: no. Observed: 25 variant alleles.
Comment: This variant is classified as Benign based on local population frequency. This variant was detected in 26% of patients studied by a panel of primary immunodeficiencies. Number of patients: 25. Only high quality variants are reported.

GeneDx
Classification: Benign. Last evaluated: 2018-07-09. Review status: criteria provided, single submitter. Criteria: GeneDx Variant Classification Process June 2021. Collection method: clinical testing. Allele origin: germline. Affected: yes.